The following is an entry in ClinVar:

ClinVar aggregate classification (germline): Uncertain significance (1 of 4 stars; one submission).

Allele frequency attached by ClinVar (database versions not stated): gnomAD exomes below 0.00001.
gnomAD v4.1: 1 of 1,613,716 alleles (0.000062%); highest among the groups gnomAD compares: African/African-American, 0.0013%; no homozygotes.

Submission:

GeneDx
Classification: Uncertain significance. Last evaluated: 2023-03-16. Review status: criteria provided, single submitter. Criteria: GeneDx Variant Classification Process June 2021. Collection method: clinical testing. Allele origin: germline. Affected: yes.
Comment: Not observed at significant frequency in large population cohorts (gnomAD); In silico analysis supports that this missense variant has a deleterious effect on protein structure/function; Has not been previously published as pathogenic or benign to our knowledge

NM_032380.5(GFM2):c.1268A>C (p.Glu423Ala)

Gene: GFM2 (GTP dependent ribosome recycling factor mitochondrial 2; minus strand). Cytogenetic location: 5q13.3.
Variant type: single nucleotide variant.
Coding change: c.1268A>C on transcript NM_032380.5 (MANE Select); coding-DNA position 1268, A replaced by C.
Protein change: p.Glu423Ala; replaces glutamic acid 423 with alanine.
Molecular consequence: missense variant. On other transcripts: non-coding transcript variant (1).
Genome position (GRCh38, 1-based): chr5:74,738,370, T>G on the plus strand (A>C on the coding strand, the complement: GFM2 is on the minus strand). VCF-style: chr5-74738370-T-G. GRCh37 (hg19) VCF-style: chr5-74034195-T-G.
Other names: c.1364A>C, p.Glu455Ala (NM_001281302.2); c.1268A>C, p.Glu423Ala (NM_170681.3); c.1127A>C, p.Glu376Ala (NM_170691.3); short protein forms E376A, E423A, E455A.
Identifiers: ClinVar variation 2579919 (VCV002579919.1), dbSNP rs2478876703, ClinGen allele CA360079692.